The following is an entry in ClinVar:

ClinVar aggregate classification (germline): Likely benign (0 of 4 stars; one submission).

Conditions:
PRKAA2-related disorder. Also called: PRKAA2-related condition.

Allele frequency attached by ClinVar (database versions not stated): TOPMed 0.00002; gnomAD 0.00013; gnomAD exomes 0.00034; ExAC 0.00091; 1000 Genomes Project 30x 0.00125; 1000 Genomes Project 0.00140.
gnomAD v4.1: 512 of 1,613,610 alleles (0.032%); highest among the groups gnomAD compares: South Asian, 0.54%; 7 homozygotes.

Submission:

PreventionGenetics, part of Exact Sciences
Classification: Likely benign for PRKAA2-related condition. Last evaluated: 2019-07-03. Review status: no assertion criteria provided. Collection method: clinical testing. Allele origin: germline.
Comment: This variant is classified as likely benign based on ACMG/AMP sequence variant interpretation guidelines (Richards et al. 2015 PMID: 25741868, with internal and published modifications).

NM_006252.4(PRKAA2):c.728C>T (p.Thr243Ile)

Gene: PRKAA2 (protein kinase AMP-activated catalytic subunit alpha 2; plus strand). Cytogenetic location: 1p32.2.
Variant type: single nucleotide variant.
Coding change: c.728C>T on transcript NM_006252.4 (MANE Select); coding-DNA position 728, C replaced by T.
Protein change: p.Thr243Ile; replaces threonine 243 with isoleucine.
Molecular consequence: missense variant.
Genome position (GRCh38, 1-based): chr1:56,696,099, C>T. VCF-style: chr1-56696099-C-T. GRCh37 (hg19) VCF-style: chr1-57161772-C-T.
Other names: short protein forms T243I.
Identifiers: ClinVar variation 3043336 (VCV003043336.2), dbSNP rs369893630, ClinGen allele CA873813.